The following is an entry in ClinVar:

ClinVar aggregate classification (germline): Likely pathogenic (1 of 4 stars; one submission).

Submission:

Cytogenetics Laboratory, University of Washington
Classification: Likely pathogenic. Last evaluated: 2014-03-25. Review status: criteria provided, single submitter. Criteria: UW Cytogenetics and Genomics Laboratory Policy on CNV Interpretation (5/6/2015). Collection method: clinical testing. Allele origin: unknown. Affected: yes. Observed: 1 variant allele.

GRCh37/hg19 2q24.3-31.1(chr2:167996718-170671886)x1

Genes: DHRS9 (dehydrogenase/reductase 9; plus strand), FASTKD1 (FAST kinase domains 1; minus strand), G6PC2 (glucose-6-phosphatase catalytic subunit 2; plus strand), KLHL23 (kelch like family member 23; plus strand), KLHL41 (kelch like family member 41; plus strand) and 14 more. Cytogenetic location: 2q24.3-31.1.
Variant type: copy number loss.
Change: copy number 1 (one copy instead of two) of chr2:167,996,718-170,671,886 (2.68 Mb, GRCh37 coordinates, 1-based), cytogenetic band 2q24.3-31.1.
Identifiers: ClinVar variation 187824 (VCV000187824.4).